The following is an entry in ClinVar:

ClinVar aggregate classification (germline): Uncertain significance (1 of 4 stars; one submission).

Allele frequency attached by ClinVar (database versions not stated): gnomAD exomes below 0.00001.
gnomAD v4.1: 1 of 1,611,294 alleles (0.000062%); highest among the groups gnomAD compares: East Asian, 0.0022%; no homozygotes.

Submission:

Labcorp Genetics (formerly Invitae), Labcorp
Classification: Uncertain significance. Last evaluated: 2021-11-15. Review status: criteria provided, single submitter. Criteria: Invitae Variant Classification Sherloc (09022015). Collection method: clinical testing. Allele origin: germline.
Comment: This variant has not been reported in the literature in individuals affected with DCHS1-related conditions. In summary, the available evidence is currently insufficient to determine the role of this variant in disease. Therefore, it has been classified as a Variant of Uncertain Significance. Advanced modeling of protein sequence and biophysical properties (such as structural, functional, and spatial information, amino acid conservation, physicochemical variation, residue mobility, and thermodynamic stability) performed at Invitae indicates that this missense variant is not expected to disrupt DCHS1 protein function. This variant is not present in population databases (gnomAD no frequency). This sequence change replaces alanine, which is neutral and non-polar, with threonine, which is neutral and polar, at codon 1859 of the DCHS1 protein (p.Ala1859Thr).

NM_003737.4(DCHS1):c.5575G>A (p.Ala1859Thr)

Gene: DCHS1 (dachsous cadherin-related 1; minus strand). Cytogenetic location: 11p15.4.
Variant type: single nucleotide variant.
Coding change: c.5575G>A on transcript NM_003737.4 (MANE Select); coding-DNA position 5575, G replaced by A.
Protein change: p.Ala1859Thr; replaces alanine 1859 with threonine.
Molecular consequence: missense variant.
Genome position (GRCh38, 1-based): chr11:6,627,464, C>T on the plus strand (G>A on the coding strand, the complement: DCHS1 is on the minus strand). VCF-style: chr11-6627464-C-T. GRCh37 (hg19) VCF-style: chr11-6648695-C-T.
Other names: short protein forms A1859T.
Identifiers: ClinVar variation 1376506 (VCV001376506.6), dbSNP rs1386897364, ClinGen allele CA379394143.
Genomic context (GRCh38, chr11:6,627,464, plus strand): 5'-CCTGTAGCTGCAGCAGCAGGGTCCCTGCAGGCACATCCTCCGGCACCTCCACCGAGTAGG[C>T]AGGCACAGGAAAGGCTGGAGCATGGTCATTGGCATCCAGCACTGTCACTGTCAAAAGCAG-3'
Protein context (NP_003728.1, residues 1849-1869): NDHAPAFPVP[Ala1859Thr]YSVEVPEDVP